The following is an entry in ClinVar:

NM_014476.6(PDLIM3):c.422T>C (p.Ile141Thr)

Gene: PDLIM3 (PDZ and LIM domain 3; minus strand). Cytogenetic location: 4q35.1.
Variant type: single nucleotide variant.
Coding change: c.422T>C on transcript NM_014476.6 (MANE Select); coding-DNA position 422, T replaced by C.
Protein change: p.Ile141Thr; replaces isoleucine 141 with threonine.
Molecular consequence: missense variant. On other transcripts: intron variant (3).
Genome position (GRCh38, 1-based): chr4:185,508,539, A>G on the plus strand (T>C on the coding strand, the complement: PDLIM3 is on the minus strand). VCF-style: chr4-185508539-A-G. GRCh37 (hg19) VCF-style: chr4-186429693-A-G.
Other names: c.162-1887T>C (NM_001257963.2); c.399-1887T>C (NM_001257962.2); c.519-1887T>C (NM_001114107.5); c.422T>C (NM_014476.4); short protein forms I141T.
Identifiers: ClinVar variation 1017179 (VCV001017179.10), dbSNP rs773342819, ClinGen allele CA3159776.

ClinVar aggregate classification (germline): Uncertain significance. Review status: criteria provided, multiple submitters, no conflicts (2 of 4 stars). 2 submissions from 2 submitters: Uncertain significance (2). Last evaluated 2023-12-04.

Conditions:
Hypertrophic cardiomyopathy. Also called: HYPERTROPHIC MYOCARDIOPATHY. Identifiers: Orphanet 217569, MedGen C0007194, MeSH D002312, MONDO:0005045, HP:0001639.
Primary dilated cardiomyopathy (DCM). Also called: Dilated Cardiomyopathy. Identifiers: Orphanet 217604, MedGen C0007193, MeSH D002311, MONDO:0005021, HP:0001644. Inheritance: Various modes of inheritance.

Allele frequency attached by ClinVar (database versions not stated): TOPMed below 0.00001; ExAC 0.00001; gnomAD 0.00001.
gnomAD v4.1: 1 of 1,613,958 alleles (0.000062%); highest among the groups gnomAD compares: Non-Finnish European, 0.000085%; no homozygotes.

Submissions (2):

Ambry Genetics
Classification: Uncertain significance. Last evaluated: 2023-12-04. Review status: criteria provided, single submitter. Criteria: Ambry Variant Classification Scheme 2023. Collection method: clinical testing. Allele origin: germline.
Comment: The p.I141T variant (also known as c.422T>C), located in coding exon 5 of the PDLIM3 gene, results from a T to C substitution at nucleotide position 422. The isoleucine at codon 141 is replaced by threonine, an amino acid with similar properties. This amino acid position is conserved. In addition, this alteration is predicted to be tolerated by in silico analysis. Since supporting evidence is limited at this time, the clinical significance of this alteration remains unclear.

Labcorp Genetics (formerly Invitae), Labcorp
Classification: Uncertain significance for Hypertrophic cardiomyopathy; Primary dilated cardiomyopathy. Last evaluated: 2023-10-13. Review status: criteria provided, single submitter. Criteria: Invitae Variant Classification Sherloc (09022015). Collection method: clinical testing. Allele origin: germline.
Comment: This sequence change replaces isoleucine, which is neutral and non-polar, with threonine, which is neutral and polar, at codon 141 of the PDLIM3 protein (p.Ile141Thr). This variant is present in population databases (rs773342819, gnomAD 0.0009%). This variant has not been reported in the literature in individuals affected with PDLIM3-related conditions. ClinVar contains an entry for this variant (Variation ID: 1017179). Advanced modeling of protein sequence and biophysical properties (such as structural, functional, and spatial information, amino acid conservation, physicochemical variation, residue mobility, and thermodynamic stability) performed at Invitae indicates that this missense variant is not expected to disrupt PDLIM3 protein function. In summary, the available evidence is currently insufficient to determine the role of this variant in disease. Therefore, it has been classified as a Variant of Uncertain Significance.